The following is an entry in ClinVar:

ClinVar aggregate classification (germline): Uncertain significance (1 of 4 stars; one submission).

Conditions:
Deficiency of alpha-mannosidase (MANSA). Also called: Alpha-Mannosidosis; LYSOSOMAL ALPHA-D-MANNOSIDASE DEFICIENCY; Mannosidosis, alpha-, types I and II. Identifiers: Orphanet 61, MedGen C0024748, MONDO:0009561, OMIM 248500.

Submission:

Labcorp Genetics (formerly Invitae), Labcorp
Classification: Uncertain significance for Deficiency of alpha-mannosidase. Last evaluated: 2024-10-01. Review status: criteria provided, single submitter. Criteria: Invitae Variant Classification Sherloc (09022015). Collection method: clinical testing. Allele origin: germline.
Comment: This sequence change replaces glycine, which is neutral and non-polar, with aspartic acid, which is acidic and polar, at codon 909 of the MAN2B1 protein (p.Gly909Asp). This variant is not present in population databases (gnomAD no frequency). This variant has not been reported in the literature in individuals affected with MAN2B1-related conditions. ClinVar contains an entry for this variant (Variation ID: 1473514). Invitae Evidence Modeling of protein sequence and biophysical properties (such as structural, functional, and spatial information, amino acid conservation, physicochemical variation, residue mobility, and thermodynamic stability) indicates that this missense variant is not expected to disrupt MAN2B1 protein function with a negative predictive value of 95%. In summary, the available evidence is currently insufficient to determine the role of this variant in disease. Therefore, it has been classified as a Variant of Uncertain Significance.

NM_000528.4(MAN2B1):c.2726G>A (p.Gly909Asp)

Genes: MAN2B1 (mannosidase alpha class 2B member 1; minus strand), LOC130063648 (ATAC-STARR-seq lymphoblastoid active region 14063; plus strand). Cytogenetic location: 19p13.13.
Variant type: single nucleotide variant.
Coding change: c.2726G>A on transcript NM_000528.4 (MANE Select); coding-DNA position 2726, G replaced by A.
Protein change: p.Gly909Asp; replaces glycine 909 with aspartic acid.
Molecular consequence: missense variant.
Genome position (GRCh38, 1-based): chr19:12,647,537, C>T on the plus strand (G>A on the coding strand, the complement: MAN2B1 is on the minus strand). VCF-style: chr19-12647537-C-T. GRCh37 (hg19) VCF-style: chr19-12758351-C-T.
Other names: c.2723G>A, p.Gly908Asp (NM_001173498.2); short protein forms G908D, G909D.
Identifiers: ClinVar variation 1473514 (VCV001473514.8), dbSNP rs2023720009, ClinGen allele CA404238013.